The following is an entry in ClinVar:

NM_001142864.4(PIEZO1):c.2209C>A (p.Leu737Met)

Genes: HSALR1 (HSP90AB1 associated lncRNA 1; plus strand), PIEZO1 (piezo type mechanosensitive ion channel component 1 (Er blood group); minus strand). Cytogenetic location: 16q24.3.
Variant type: single nucleotide variant.
Coding change: c.2209C>A on transcript NM_001142864.4 (MANE Select); coding-DNA position 2209, C replaced by A.
Protein change: p.Leu737Met; replaces leucine 737 with methionine.
Molecular consequence: missense variant.
Genome position (GRCh38, 1-based): chr16:88,734,026, G>T on the plus strand (C>A on the coding strand, the complement: PIEZO1 is on the minus strand). VCF-style: chr16-88734026-G-T. GRCh37 (hg19) VCF-style: chr16-88800434-G-T.
Other names: short protein forms L737M.
Identifiers: ClinVar variation 989266 (VCV000989266.5), dbSNP rs985377446, ClinGen allele CA286423429.

ClinVar aggregate classification (germline): Uncertain significance. Review status: criteria provided, multiple submitters, no conflicts (2 of 4 stars). 2 submissions from 2 submitters: Uncertain significance (2). Last evaluated 2022-12-15.

Conditions:
Dehydrated hereditary stomatocytosis with or without pseudohyperkalemia and/or perinatal edema (DHS1). Also called: Dehydrated hereditary stomatocytosis 1 with or without pseudohyperkalemia and/or perinatal edema; DEHYDRATED HEREDITARY STOMATOCYTOSIS AND PSEUDOHYPERKALEMIA; DEHYDRATED HEREDITARY STOMATOCYTOSIS WITH PSEUDOHYPERKALEMIA AND PERINATAL EDEMA; Pseudohyperkalemia, familial, 1, due to red cell leak; PSEUDOHYPERKALEMIA EDINBURGH. Identifiers: Orphanet 3202, MedGen C4551512, MONDO:0008689, OMIM 194380.

Allele frequency attached by ClinVar (database versions not stated): gnomAD 0.00003 and 0.00004; TOPMed 0.00006.
gnomAD v4.1: 20 of 1,543,624 alleles (0.0013%); highest among the groups gnomAD compares: African/African-American, 0.021%; 1 homozygote.

Submissions (2):

GeneDx
Classification: Uncertain significance. Last evaluated: 2022-12-15. Review status: criteria provided, single submitter. Criteria: GeneDx Variant Classification Process June 2021. Collection method: clinical testing. Allele origin: germline. Affected: yes.
Comment: In silico analysis supports that this missense variant does not alter protein structure/function; Has not been previously published as pathogenic or benign to our knowledge

Illumina Laboratory Services, Illumina
Classification: Uncertain significance for Dehydrated hereditary stomatocytosis with or without pseudohyperkalemia and/or perinatal edema. Last evaluated: 2019-04-25. Review status: criteria provided, single submitter. Criteria: ICSLVariantClassificationCriteria RUGD 01 April 2020. Collection method: clinical testing. Allele origin: unknown.
Comment: The PIEZO1 c.2209C>A (p.Leu737Met) variant is a missense variant. A literature search was performed for the gene, cDNA change, and amino acid change. No publications were found based on this search. The p.Leu737Met variant is reported at a frequency of 0.000115 in the African population of the Genome Aggregation Database though this is based on one allele in a region of poor sequence coverage. Most pathogenic variants in PIEZO1 described in the literature are highly conserved and located in the C-terminal pore-region domain (Glogowska et al 2017). The Leu737 residue is not evolutionarily conserved based on a majority of in silico tools, and is also not located in the domain where most pathogenic variants have been described. Based on the limited evidence, the p.Leu737Met variant is classified as a variant of uncertain significance for dehydrated hereditary stomatocytosis.

Literature cited by the submitters: PubMed 28716860 (cited by Illumina Laboratory Services, Illumina).